The following is an entry in ClinVar:

ClinVar aggregate classification (germline): Uncertain significance (1 of 4 stars; one submission).

Conditions:
DICER1-related tumor predisposition. Also called: DICER1-related pleuropulmonary blastoma cancer predisposition syndrome; DICER1 syndrome. Identifiers: Orphanet 284343, MedGen C3839822, MONDO:0100216.

Submission:

Labcorp Genetics (formerly Invitae), Labcorp
Classification: Uncertain significance for DICER1-related tumor predisposition. Last evaluated: 2021-02-08. Review status: criteria provided, single submitter. Criteria: Invitae Variant Classification Sherloc (09022015). Collection method: clinical testing. Allele origin: germline.
Comment: In summary, the available evidence is currently insufficient to determine the role of this variant in disease. Therefore, it has been classified as a Variant of Uncertain Significance. Algorithms developed to predict the effect of missense changes on protein structure and function are either unavailable or do not agree on the potential impact of this missense change (SIFT: "Deleterious"; PolyPhen-2: "Probably Damaging"; Align-GVGD: "Class C0"). This variant has not been reported in the literature in individuals with DICER1-related conditions. This variant is not present in population databases (ExAC no frequency). This sequence change replaces methionine with isoleucine at codon 1808 of the DICER1 protein (p.Met1808Ile). The methionine residue is highly conserved and there is a small physicochemical difference between methionine and isoleucine.

NM_177438.3(DICER1):c.5424G>A (p.Met1808Ile)

Gene: DICER1 (dicer 1, ribonuclease III; minus strand). Cytogenetic location: 14q32.13.
Variant type: single nucleotide variant.
Coding change: c.5424G>A on transcript NM_177438.3 (MANE Select); coding-DNA position 5424, G replaced by A.
Protein change: p.Met1808Ile; replaces methionine 1808 with isoleucine.
Molecular consequence: missense variant. On other transcripts: intron variant (1).
Genome position (GRCh38, 1-based): chr14:95,091,306, C>T on the plus strand (G>A on the coding strand, the complement: DICER1 is on the minus strand). VCF-style: chr14-95091306-C-T. GRCh37 (hg19) VCF-style: chr14-95557643-C-T.
Other names: c.5424G>A, p.Met1808Ile (NM_001271282.3, NM_001291628.2, NM_030621.4); c.5365-197G>A (NM_001195573.1); short protein forms M1808I.
Identifiers: ClinVar variation 1462450 (VCV001462450.9), dbSNP rs2139778478, ClinGen allele CA390864687.